The following is an entry in ClinVar:

NM_000807.4(GABRA2):c.460C>G (p.Leu154Val)

Gene: GABRA2 (gamma-aminobutyric acid type A receptor subunit alpha2; minus strand). Cytogenetic location: 4p12.
Variant type: single nucleotide variant.
Coding change: c.460C>G on transcript NM_000807.4 (MANE Select); coding-DNA position 460, C replaced by G.
Protein change: p.Leu154Val; replaces leucine 154 with valine.
Molecular consequence: missense variant.
Genome position (GRCh38, 1-based): chr4:46,312,512, G>C on the plus strand (C>G on the coding strand, the complement: GABRA2 is on the minus strand). VCF-style: chr4-46312512-G-C. GRCh37 (hg19) VCF-style: chr4-46314529-G-C.
Other names: c.460C>G, p.Leu154Val (NM_001114175.3, NM_001330690.2, NM_001377144.1 and 8 more transcripts); c.295C>G, p.Leu99Val (NM_001286827.3, NM_001377152.1, NM_001377153.1 and 1 more transcripts); short protein forms L154V, L99V.
Identifiers: ClinVar variation 3338108 (VCV003338108.2).

ClinVar aggregate classification (germline): Likely pathogenic (1 of 4 stars; one submission).

Conditions:
Developmental and epileptic encephalopathy, 78. Also called: EPILEPTIC ENCEPHALOPATHY, EARLY INFANTILE, 78. Identifiers: MedGen C5231409, MONDO:0032812, OMIM 618557.

Submission:

Pediatric Neurology, Shengjing Hospital of China Medical University
Classification: Likely pathogenic for Developmental and epileptic encephalopathy, 78. Review status: criteria provided, single submitter. Criteria: ACMG Guidelines, 2015. Collection method: clinical testing. Allele origin: de novo. Inheritance: Autosomal dominant inheritance. Affected: yes.
Comment: This variant has not been reported in the ACMG classification, but it is located in an exon region known to lack benign variants（PM1）. The minor allele frequency in the normal population is less than 0.0005（PM2）, and bioinformatics tools or predictive algorithms predict that the variant is damaging to protein（PP3）